The following is an entry in ClinVar:

NM_001134363.3(RBM20):c.365A>C (p.Gln122Pro)

Gene: RBM20 (RNA binding motif protein 20; plus strand). Cytogenetic location: 10q25.2.
Variant type: single nucleotide variant.
Coding change: c.365A>C on transcript NM_001134363.3 (MANE Select); coding-DNA position 365, A replaced by C.
Protein change: p.Gln122Pro; replaces glutamine 122 with proline.
Molecular consequence: missense variant.
Genome position (GRCh38, 1-based): chr10:110,780,974, A>C. VCF-style: chr10-110780974-A-C. GRCh37 (hg19) VCF-style: chr10-112540732-A-C.
Other names: short protein forms Q122P.
Identifiers: ClinVar variation 2697042 (VCV002697042.3), dbSNP rs1255506290, ClinGen allele CA378379812.

ClinVar aggregate classification (germline): Uncertain significance (1 of 4 stars; one submission).

Conditions:
Dilated cardiomyopathy 1DD (CMD1DD). Identifiers: Orphanet 154, MedGen C2750995, MONDO:0013168, OMIM 613172.

Submission:

Labcorp Genetics (formerly Invitae), Labcorp
Classification: Uncertain significance for Dilated cardiomyopathy 1DD. Last evaluated: 2023-06-07. Review status: criteria provided, single submitter. Criteria: Invitae Variant Classification Sherloc (09022015). Collection method: clinical testing. Allele origin: germline.
Comment: This sequence change replaces glutamine, which is neutral and polar, with proline, which is neutral and non-polar, at codon 122 of the RBM20 protein (p.Gln122Pro). This variant is not present in population databases (gnomAD no frequency). This variant has not been reported in the literature in individuals affected with RBM20-related conditions. Advanced modeling of protein sequence and biophysical properties (such as structural, functional, and spatial information, amino acid conservation, physicochemical variation, residue mobility, and thermodynamic stability) has been performed at Invitae for this missense variant, however the output from this modeling did not meet the statistical confidence thresholds required to predict the impact of this variant on RBM20 protein function. In summary, the available evidence is currently insufficient to determine the role of this variant in disease. Therefore, it has been classified as a Variant of Uncertain Significance.